The following is an entry in ClinVar:

NM_001382430.1(AKT1):c.200G>A (p.Arg67Gln)

Gene: AKT1 (AKT serine/threonine kinase 1; minus strand). Cytogenetic location: 14q32.33.
Variant type: single nucleotide variant.
Coding change: c.200G>A on transcript NM_001382430.1 (MANE Select); coding-DNA position 200, G replaced by A.
Protein change: p.Arg67Gln; replaces arginine 67 with glutamine.
Molecular consequence: missense variant.
Genome position (GRCh38, 1-based): chr14:104,776,746, C>T on the plus strand (G>A on the coding strand, the complement: AKT1 is on the minus strand). VCF-style: chr14-104776746-C-T. GRCh37 (hg19) VCF-style: chr14-105243083-C-T.
Other names: c.200G>A, p.Arg67Gln (NM_001014431.2, NM_001014432.2, NM_001382431.1 and 3 more transcripts); short protein forms R67Q.
Identifiers: ClinVar variation 1370497 (VCV001370497.8), dbSNP rs1396308032, ClinGen allele CA391220792.
Genomic context (GRCh38, chr14:104,776,746, plus strand): 5'-GTGCGTTCGATGACAGTGGTCCACTGCAGGCAGCGGATGATGAAGGTGTTGGGCCGGGGC[C>T]GCTCCGTCTTCATCAGCTGGCACTCTGCGGGCAGGCAGAGCCTCTGTCTGCGTGCATCCC-3'
Protein context (NP_001369359.1, residues 57-77): VAQCQLMKTE[Arg67Gln]PRPNTFIIRC

ClinVar aggregate classification (germline): Uncertain significance (1 of 4 stars; one submission).

Conditions:
Cowden syndrome 6 (CWS6). Identifiers: Orphanet 201, MedGen C3554519, MONDO:0014048, OMIM 615109.

Allele frequency attached by ClinVar (database versions not stated): TOPMed below 0.00001; gnomAD exomes 0.00001.
gnomAD v4.1: 10 of 1,613,260 alleles (0.00062%); highest among the groups gnomAD compares: African/African-American, 0.0013%; no homozygotes.

Submission:

Labcorp Genetics (formerly Invitae), Labcorp
Classification: Uncertain significance for Cowden syndrome 6. Last evaluated: 2021-08-06. Review status: criteria provided, single submitter. Criteria: Invitae Variant Classification Sherloc (09022015). Collection method: clinical testing. Allele origin: germline.
Comment: In summary, the available evidence is currently insufficient to determine the role of this variant in disease. Therefore, it has been classified as a Variant of Uncertain Significance. Algorithms developed to predict the effect of missense changes on protein structure and function (SIFT, PolyPhen-2, Align-GVGD) all suggest that this variant is likely to be tolerated, but these predictions have not been confirmed by published functional studies and their clinical significance is uncertain. This variant has not been reported in the literature in individuals with AKT1-related conditions. This variant is not present in population databases (ExAC no frequency). This sequence change replaces arginine with glutamine at codon 67 of the AKT1 protein (p.Arg67Gln). The arginine residue is highly conserved and there is a small physicochemical difference between arginine and glutamine.